The following is an entry in ClinVar:

NM_053025.4(MYLK):c.148G>A (p.Ala50Thr)

Gene: MYLK (myosin light chain kinase; minus strand). Cytogenetic location: 3q21.1.
Variant type: single nucleotide variant.
Coding change: c.148G>A on transcript NM_053025.4 (MANE Select); coding-DNA position 148, G replaced by A.
Protein change: p.Ala50Thr; replaces alanine 50 with threonine.
Molecular consequence: missense variant. On other transcripts: 5 prime UTR variant (1).
Genome position (GRCh38, 1-based): chr3:123,793,694, C>T on the plus strand (G>A on the coding strand, the complement: MYLK is on the minus strand). VCF-style: chr3-123793694-C-T. GRCh37 (hg19) VCF-style: chr3-123512541-C-T.
Other names: c.148G>A, p.Ala50Thr (NM_053028.4, NM_053026.4, NM_053027.4); c.-173G>A (NM_001321309.2); short protein forms A50T.
Identifiers: ClinVar variation 4737931 (VCV004737931.1).

ClinVar aggregate classification (germline): Uncertain significance (1 of 4 stars; one submission).

Conditions:
Aortic aneurysm, familial thoracic 7 (AAT7). Also called: AORTIC DISSECTION, FAMILIAL, WITH OR WITHOUT AORTIC ANEURYSM. Identifiers: MedGen C3151077, MONDO:0013418, OMIM 613780.

gnomAD v4.1: 9 of 1,613,960 alleles (0.00056%); highest among the groups gnomAD compares: East Asian, 0.0022%; no homozygotes.

Submission:

Labcorp Genetics (formerly Invitae), Labcorp
Classification: Uncertain significance for Aortic aneurysm, familial thoracic 7. Last evaluated: 2025-03-22. Review status: criteria provided, single submitter. Criteria: Invitae Variant Classification Sherloc (09022015). Collection method: clinical testing. Allele origin: germline.
Comment: This sequence change replaces alanine, which is neutral and non-polar, with threonine, which is neutral and polar, at codon 50 of the MYLK protein (p.Ala50Thr). This variant is present in population databases (rs751888783, gnomAD 0.002%). This variant has not been reported in the literature in individuals affected with MYLK-related conditions. Invitae Evidence Modeling of protein sequence and biophysical properties (such as structural, functional, and spatial information, amino acid conservation, physicochemical variation, residue mobility, and thermodynamic stability) indicates that this missense variant is not expected to disrupt MYLK protein function with a negative predictive value of 95%. In summary, the available evidence is currently insufficient to determine the role of this variant in disease. Therefore, it has been classified as a Variant of Uncertain Significance.